The following is an entry in ClinVar:

NM_000417.3(IL2RA):c.179G>T (p.Ser60Ile)

Gene: IL2RA (interleukin 2 receptor subunit alpha; minus strand). Cytogenetic location: 10p15.1.
Variant type: single nucleotide variant.
Coding change: c.179G>T on transcript NM_000417.3 (MANE Select); coding-DNA position 179, G replaced by T.
Protein change: p.Ser60Ile; replaces serine 60 with isoleucine.
Molecular consequence: missense variant.
Genome position (GRCh38, 1-based): chr10:6,025,911, C>A on the plus strand (G>T on the coding strand, the complement: IL2RA is on the minus strand). VCF-style: chr10-6025911-C-A. GRCh37 (hg19) VCF-style: chr10-6067874-C-A.
Other names: c.179G>T, p.Ser60Ile (NM_001308242.2, NM_001308243.2); short protein forms S60I.
Identifiers: ClinVar variation 2744087 (VCV002744087.3), dbSNP rs1489675522, ClinGen allele CA375930428.

ClinVar aggregate classification (germline): Uncertain significance (1 of 4 stars; one submission).

Conditions:
Immunodeficiency due to CD25 deficiency. Also called: IL2RA DEFICIENCY; IMMUNODEFICIENCY 41 WITH LYMPHOPROLIFERATION AND AUTOIMMUNITY; CD25 DEFICIENCY. Identifiers: Orphanet 169100, MedGen C1853392, MONDO:0011664, OMIM 606367.

Allele frequency attached by ClinVar (database versions not stated): gnomAD exomes below 0.00001.
gnomAD v4.1: 3 of 1,614,204 alleles (0.00019%); highest among the groups gnomAD compares: Non-Finnish European, 0.00017%; no homozygotes.

Submission:

Labcorp Genetics (formerly Invitae), Labcorp
Classification: Uncertain significance for Immunodeficiency due to CD25 deficiency. Last evaluated: 2023-10-04. Review status: criteria provided, single submitter. Criteria: Invitae Variant Classification Sherloc (09022015). Collection method: clinical testing. Allele origin: germline.
Comment: This sequence change replaces serine, which is neutral and polar, with isoleucine, which is neutral and non-polar, at codon 60 of the IL2RA protein (p.Ser60Ile). This variant is not present in population databases (gnomAD no frequency). This variant has not been reported in the literature in individuals affected with IL2RA-related conditions. Advanced modeling of protein sequence and biophysical properties (such as structural, functional, and spatial information, amino acid conservation, physicochemical variation, residue mobility, and thermodynamic stability) performed at Invitae indicates that this missense variant is not expected to disrupt IL2RA protein function. In summary, the available evidence is currently insufficient to determine the role of this variant in disease. Therefore, it has been classified as a Variant of Uncertain Significance.